The following is an entry in ClinVar:

NM_206926.2(SELENON):c.463C>T (p.Arg155Ter)

Gene: SELENON (selenoprotein N; plus strand). Cytogenetic location: 1p36.11.
Variant type: single nucleotide variant.
Coding change: c.463C>T on transcript NM_206926.2 (MANE Select); coding-DNA position 463, C replaced by T.
Protein change: p.Arg155Ter; replaces arginine 155 with a stop codon.
Molecular consequence: nonsense.
Genome position (GRCh38, 1-based): chr1:25,808,607, C>T. VCF-style: chr1-25808607-C-T. GRCh37 (hg19) VCF-style: chr1-26135098-C-T.
Other names: NM_020451.3(SELENON):c.565C>T; p.Arg189Ter; c.565C>T, p.Arg189Ter (NM_020451.3); short protein forms R189*, R155*.
Identifiers: ClinVar variation 952054 (VCV000952054.16), dbSNP rs775713184, ClinGen allele CA696566.

ClinVar aggregate classification (germline): Pathogenic/Likely pathogenic. Review status: criteria provided, multiple submitters, no conflicts (2 of 4 stars). 7 submissions from 7 submitters: Pathogenic (3); Likely pathogenic (4). Last evaluated 2025-07-23.

Conditions:
Eichsfeld type congenital muscular dystrophy (CMYO3). Also called: Rigid spine muscular dystrophy 1; MYOPATHY, SEPN1-RELATED; SELENON-related myopathy; Congenital myopathy 3 with rigid spine. Identifiers: MedGen C0410180, MONDO:0100100, OMIM 602771.

Allele frequency attached by ClinVar (database versions not stated): ExAC 0.00001; gnomAD 0.00001; gnomAD exomes 0.00001; TOPMed 0.00008.
gnomAD v4.1: 11 of 1,613,628 alleles (0.00068%); highest among the groups gnomAD compares: East Asian, 0.0089%; no homozygotes.

Submissions (7):

Labcorp Genetics (formerly Invitae), Labcorp
Classification: Pathogenic for Eichsfeld type congenital muscular dystrophy. Last evaluated: 2025-07-23. Review status: criteria provided, single submitter. Criteria: Invitae Variant Classification Sherloc (09022015). Collection method: clinical testing. Allele origin: germline.
Comment: This sequence change creates a premature translational stop signal (p.Arg189*) in the SELENON gene. It is expected to result in an absent or disrupted protein product. Loss-of-function variants in SELENON are known to be pathogenic (PMID: 21131290, 21670436). This variant is present in population databases (rs775713184, gnomAD 0.007%). This premature translational stop signal has been observed in individual(s) with clinical features of SELENON-related conditions (PMID: 32528171). ClinVar contains an entry for this variant (Variation ID: 952054). Algorithms developed to predict the effect of sequence changes on RNA splicing suggest that this variant may create or strengthen a splice site. For these reasons, this variant has been classified as Pathogenic.

Fulgent Genetics
Classification: Pathogenic for Eichsfeld type congenital muscular dystrophy. Last evaluated: 2024-02-21. Review status: criteria provided, single submitter. Criteria: ACMG Guidelines, 2015. Collection method: clinical testing. Allele origin: germline.

Revvity Omics, Revvity
Classification: Pathogenic for Eichsfeld type congenital muscular dystrophy. Last evaluated: 2023-10-18. Review status: criteria provided, single submitter. Criteria: ACMG Guidelines, 2015. Collection method: clinical testing. Allele origin: germline.

GeneDx
Classification: Likely pathogenic. Last evaluated: 2023-09-20. Review status: criteria provided, single submitter. Criteria: GeneDx Variant Classification Process June 2021. Collection method: clinical testing. Allele origin: germline.
Comment: Reported in the published literature in association with muscle weakness (Topf et al., 2020; Lee et al., 2022); Nonsense variant predicted to result in protein truncation or nonsense mediated decay in a gene for which loss of function is a known mechanism of disease; Not observed at significant frequency in large population cohorts (gnomAD); This variant is associated with the following publications: (PMID: 21131290, 21670436, 32528171, 32796131, 30921636)

Broad Center for Mendelian Genomics, Broad Institute of MIT and Harvard
Classification: Likely pathogenic. Last evaluated: 2023-01-24. Review status: criteria provided, single submitter. Criteria: ACMG Guidelines, 2015. Collection method: curation. Allele origin: germline. Inheritance: Autosomal recessive inheritance.
Comment: The p.Arg189Ter variant in SELENON has been reported in at least 1 individual with SELENON-RM (PMID: 32528171, 33184643) and has been identified in 0.006% (1/15464) of African/African American chromosomes by the Genome Aggregation Database (gnomAD; dbSNP ID: rs775713184). Although this variant has been seen in the general population in a heterozygous state, its frequency is low enough to be consistent with a recessive carrier frequency. This variant has also been reported in ClinVar (Variation ID#: 523931) and has been interpreted as pathogenic by Invitae and PerkinElmer Genomics. This nonsense variant leads to a premature termination codon at position 189 which is predicted to lead to a truncated or absent protein. Loss of function of the SELENON gene is an established disease mechanism in autosomal recessive SELENON-RM. In summary, although additional studies are required to fully establish its clinical significance, this variant is likely pathogenic for autosomal recessive SELENON-RM. ACMG/AMP Criteria applied: PVS1, PM2 (Richards 2015).

Women's Health and Genetics/Laboratory Corporation of America, LabCorp
Classification: Likely pathogenic for Eichsfeld type congenital muscular dystrophy. Last evaluated: 2022-10-06. Review status: criteria provided, single submitter. Criteria: LabCorp Variant Classification Summary - May 2015. Collection method: clinical testing. Allele origin: germline.
Comment: Variant summary: SELENON c.565C>T (p.Arg189X) results in a premature termination codon, predicted to cause a truncation of the encoded protein or absence of the protein due to nonsense mediated decay, which are commonly known mechanisms for disease. Truncations downstream of this position have been classified as pathogenic by our laboratory. The variant allele was found at a frequency of 8.1e-06 in 248170 control chromosomes (gnomAD). c.565C>T has been reported in the literature in individuals affected with Muscular Dystrophy (e.g. Topf_2020, Ogasawara_2020). These data indicate that the variant may be associated with disease. To our knowledge, no experimental evidence demonstrating an impact on protein function has been reported. Two ClinVar submitters have assessed the variant since 2014: both classified the variant as pathogenic. Based on the evidence outlined above, the variant was classified as likely pathogenic.

Juno Genomics, Hangzhou Juno Genomics, Inc
Classification: Likely pathogenic for Eichsfeld type congenital muscular dystrophy. Review status: criteria provided, single submitter. Criteria: ACMG Guidelines, 2015. Collection method: clinical testing. Allele origin: germline.
Comment: Absent from controls (or at extremely low frequency if recessive) in Genome Aggregation Database.;Null variant in a gene where loss of function (LOF) is a known mechanism of disease.

Literature cited by the submitters: PubMed 21131290 (cited by Labcorp Genetics (formerly Invitae), Labcorp); PubMed 21670436 (cited by Labcorp Genetics (formerly Invitae), Labcorp); PubMed 32528171 (cited by Labcorp Genetics (formerly Invitae), Labcorp and Women's Health and Genetics/Laboratory Corporation of America, LabCorp); PubMed 32796131 (cited by Women's Health and Genetics/Laboratory Corporation of America, LabCorp); PubMed 33184643 (cited by Women's Health and Genetics/Laboratory Corporation of America, LabCorp).